The following is an entry in ClinVar:

ClinVar aggregate classification (germline): Conflicting classifications of pathogenicity. Review status: criteria provided, conflicting classifications (1 of 4 stars). 26 submissions from 26 submitters: Uncertain significance (17); Benign (1); Likely benign (3). 5 of the submissions do not count toward it. Last evaluated 2026-05-26.

Conditions:
ATM-related disorder. Also called: ATM-related disorders; ATM-related condition.
Familial cancer of breast. Also called: Hereditary breast cancer; hereditary breast carcinoma; BREAST CANCER, FAMILIAL. Identifiers: Orphanet 227535, MedGen C0346153, MONDO:0016419, OMIM 114480. Disease mechanism: loss of function.
Ataxia-telangiectasia syndrome (AT). Also called: ATAXIA-TELANGIECTASIA, COMPLEMENTATION GROUP A; ATAXIA-TELANGIECTASIA, FRESNO VARIANT; Ataxia-telangiectasia; Ataxia-telangiectasia, complementation group D; AT, COMPLEMENTATION GROUP C; Ataxia-telangiectasia, complementation group E. Identifiers: Orphanet 100, MedGen C0004135, MONDO:0008840, OMIM 208900.
Hereditary cancer-predisposing syndrome. Also called: Tumor predisposition; Hereditary neoplastic syndrome; Hereditary Cancer Syndrome; Neoplastic Syndromes, Hereditary. Identifiers: Orphanet 140162, MedGen C0027672, MeSH D009386, MONDO:0015356.
Hereditary breast ovarian cancer syndrome. Also called: Hereditary breast and ovarian cancer; Hereditary breast and/or ovarian cancer syndrome; BRCA1- and BRCA2-Associated Hereditary Breast and Ovarian Cancer; Hereditary breast and ovarian cancer syndrome (HBOC); Hereditary breast and ovarian cancer syndrome; Breast and ovarian cancer. Identifiers: Orphanet 145, MedGen C0677776, MeSH D061325, MONDO:0003582. Disease mechanism: loss of function.
Breast-ovarian cancer, familial, susceptibility to, 2 (BROVCA2). Also called: BRCA2 Hereditary Breast and Ovarian Cancer. Identifiers: Orphanet 145, MedGen C2675520, MONDO:0012933, OMIM 612555. Disease mechanism: loss of function.

Allele frequency attached by ClinVar (database versions not stated): gnomAD 0.00002; TOPMed 0.00003; gnomAD exomes 0.00005 and 0.00006; ExAC 0.00007; ESP Exome Variant Server 0.00008.
gnomAD v4.1: 73 of 1,610,634 alleles (0.0045%); highest among the groups gnomAD compares: Middle Eastern, 0.033%; no homozygotes.

Submissions 1 to 11 of 26:

Ambry Genetics
Classification: Benign for Hereditary cancer-predisposing syndrome. Last evaluated: 2026-05-26. Review status: criteria provided, single submitter. Criteria: Ambry Variant Classification Scheme 2023. Collection method: clinical testing. Allele origin: germline.

German Consortium for Hereditary Breast and Ovarian Cancer, University Hospital Cologne
Classification: Uncertain significance for Hereditary breast ovarian cancer syndrome. Last evaluated: 2026-02-10. Review status: criteria provided, single submitter. Criteria: ClinGen ATM V1.4.0. Collection method: curation. Allele origin: germline.
Comment: This classification follows the ClinGen ACMG ATM v1.4.0 classification scheme

Labcorp Genetics (formerly Invitae), Labcorp
Classification: Likely benign for Ataxia-telangiectasia syndrome. Last evaluated: 2026-02-03. Review status: criteria provided, single submitter. Criteria: Invitae Variant Classification Sherloc (09022015). Collection method: clinical testing. Allele origin: germline.

Center for Genomic Medicine, Rigshospitalet, Copenhagen University Hospital
Classification: Uncertain significance. Last evaluated: 2025-12-29. Review status: criteria provided, single submitter. Criteria: ACMG Guidelines, 2015. Collection method: clinical testing. Allele origin: germline.
Comment: Classification criteria: BP4

Women's Health and Genetics/Laboratory Corporation of America, LabCorp
Classification: Uncertain significance. Last evaluated: 2025-10-03. Review status: criteria provided, single submitter. Criteria: LabCorp Variant Classification Summary - May 2015. Collection method: clinical testing. Allele origin: germline.
Comment: Variant summary: ATM c.5753G>C (p.Arg1918Thr) results in a non-conservative amino acid change in the encoded protein sequence. Algorithms developed to predict the effect of missense changes on protein structure and function are either unavailable or do not agree on the potential impact of this missense change. The variant allele was found at a frequency of 6e-05 in 250990 control chromosomes. This frequency is not significantly higher than estimated for disease-causing variants in ATM, allowing no conclusion about variant significance. c.5753G>C has been reported in the literature as a VUS/non-causative variant in settings of multigene panel testing of individuals affected with a variety of cancers such as breast, Non-Hodgkins lymphoma, colorectal and pancreatic adenocarcinoma (example, Bernstein_2010, Sipahimalani_2007, Weren_2015, Cremin_2020, Ackay_2021, Sandoval_2021, Agaoglu_2024, Vietri_2025). These reports do not provide unequivocal conclusions about association of the variant with Breast Cancer. To our knowledge, no experimental evidence demonstrating an impact on protein function has been reported. The following publications have been ascertained in the context of this evaluation (PMID: 32658311, 20305132, 32255556, 33606809, 17640065, 25938944, 38308423, 40649708). ClinVar contains an entry for this variant (Variation ID: 142535). Based on the evidence outlined above, the variant was classified as uncertain significance.

Quest Diagnostics Nichols Institute San Juan Capistrano
Classification: Uncertain significance. Last evaluated: 2025-07-17. Review status: criteria provided, single submitter. Criteria: Quest Diagnostics criteria. Collection method: clinical testing. Allele origin: unknown.
Comment: The ATM c.5753G>C (p.Arg1918Thr) variant has been reported in the published literature in individuals with breast cancer (PMIDs: 20305132 (2010), 28779002 (2017), 30303537 (2019), 32658311 (2021), 33606809 (2021)), colorectal adenomas (PMID: 25938944 (2015)), and pancreatic cancer (PMID: 32255556 (2020)). The frequency of this variant in the general population (Genome Aggregation Database) is uninformative in the assessment of its pathogenicity. Analysis of this variant using bioinformatics tools for the prediction of the effect of amino acid changes on protein structure and function yielded predictions that this variant is benign. Based on the available information, we are unable to determine the clinical significance of this variant.

Mayo Clinic Laboratories, Mayo Clinic
Classification: Uncertain significance. Last evaluated: 2025-05-27. Review status: criteria provided, single submitter. Criteria: ACMG Guidelines, 2015. Collection method: clinical testing. Allele origin: germline. Observed: 1 variant allele.

Color Diagnostics, LLC DBA Color Health
Classification: Uncertain significance for Hereditary cancer-predisposing syndrome. Last evaluated: 2025-02-10. Review status: criteria provided, single submitter. Criteria: ACMG Guidelines, 2015. Collection method: clinical testing. Allele origin: germline.
Comment: This missense variant replaces arginine with threonine at codon 1918 of the ATM protein. Computational prediction suggests that this variant may not impact protein structure and function. To our knowledge, functional studies have not been reported for this variant. This variant has been reported in individuals affected with breast cancer (PMID: 20305132, 28779002, 30303537, 32658311, 33471991, 33606809), melanoma (PMID: 31382929), pancreatic cancer (PMID: 32255556, 36717774), non-Hodgkin lymphoma (PMID: 17640065), and individuals with personal and/or family history of colorectal cancer or polyposis (PMID: 25938944). However it has also been observed in healthy controls (PMID: 33471991). This variant has been identified in 15/250990 chromosomes in the general population by the Genome Aggregation Database (gnomAD). The available evidence is insufficient to determine the role of this variant in disease conclusively. Therefore, this variant is classified as a Variant of Uncertain Significance.

Molecular Diagnostics Laboratory, Catalan Institute of Oncology
Classification: Uncertain significance for Hereditary cancer-predisposing syndrome. Last evaluated: 2025-01-13. Review status: criteria provided, single submitter. Criteria: ClinGen ACMG Specifications ATM V1.1.0. Collection method: clinical testing. Allele origin: germline.
Comment: c.5753G>C, located in exon 38 of the ATM gene, is predicted to result in the substitution of Arginine by Threonine at codon 1918, p.(Arg1918Thr).This variant is found in 15/267899 alleles at a frequency of 0.005% in the gnomAD v2.1.1 database, non-cancer dataset. The SpliceAI algorithm predicts no significant impact on splicing and the REVEL meta-predictor score (0.26) for this variant is indeterminate regarding the effect that it may have on protein function according Pejaver 2022 thresholds (PMID: 36413997). To our knowledge, neither relevant clinical data nor well-stablished functional studies have been reported for this variant. It has been reported in ClinVar (16x uncertain significance, 2x likely benign). Based on currently available information, the variant c.5753G>C should be considered an uncertain significance variant.

Athena Diagnostics
Classification: Uncertain significance. Last evaluated: 2024-12-17. Review status: criteria provided, single submitter. Criteria: Athena Diagnostics Criteria. Collection method: clinical testing. Allele origin: unknown.
Comment: Available data are insufficient to determine the clinical significance of the variant at this time. The frequency of this variant in the general population is uninformative in assessment of its pathogenicity. Polyphen and MutationTaster predict this amino acid change may be benign.

GeneDx
Classification: Uncertain significance. Last evaluated: 2024-11-14. Review status: criteria provided, single submitter. Criteria: GeneDx Variant Classification Process June 2021. Collection method: clinical testing. Allele origin: germline. Affected: yes.
Comment: Not observed at significant frequency in large population cohorts (gnomAD); In silico analysis indicates that this missense variant does not alter protein structure/function; Observed in individuals with a personal and/or family history of breast, pancreatic, or other cancers, as well as in unaffected control groups (PMID: 17640065, 20305132, 28779002, 28652578, 30303537, 32658311, 32255556, 35957908, 35534704, 36717774, 33471991, 33606809, 39015540); This variant is associated with the following publications: (PMID: 17640065, 28779002, 20305132, 25938944, 26662178, 28652578, 30303537, 32255556, 32658311, 31382929, 33471991, 33606809, 35957908, 35534704, 36717774, 39015540)

NM_000051.4(ATM):c.5753G>C (p.Arg1918Thr)

Gene: ATM (ATM serine/threonine kinase; plus strand). Cytogenetic location: 11q22.3.
Variant type: single nucleotide variant.
Coding change: c.5753G>C on transcript NM_000051.4 (MANE Select); coding-DNA position 5753, G replaced by C.
Protein change: p.Arg1918Thr; replaces arginine 1918 with threonine.
Molecular consequence: missense variant.
Genome position (GRCh38, 1-based): chr11:108,307,975, G>C. VCF-style: chr11-108307975-G-C. GRCh37 (hg19) VCF-style: chr11-108178702-G-C.
Other names: p.Arg1918Thr; c.5753G>C, p.Arg1918Thr (NM_001351834.2); short protein forms R1918T.
Identifiers: ClinVar variation 142535 (VCV000142535.81), dbSNP rs148064985, ClinGen allele CA168653.